The following is an entry in ClinVar:

NM_001614.5(ACTG1):c.621A>C (p.Glu207Asp)

Gene: ACTG1 (actin gamma 1; minus strand). Cytogenetic location: 17q25.3.
Variant type: single nucleotide variant.
Coding change: c.621A>C on transcript NM_001614.5 (MANE Select); coding-DNA position 621, A replaced by C.
Protein change: p.Glu207Asp; replaces glutamic acid 207 with aspartic acid.
Molecular consequence: missense variant. On other transcripts: non-coding transcript variant (1).
Genome position (GRCh38, 1-based): chr17:81,511,369, T>G on the plus strand (A>C on the coding strand, the complement: ACTG1 is on the minus strand). VCF-style: chr17-81511369-T-G. GRCh37 (hg19) VCF-style: chr17-79478395-T-G.
Other names: c.621A>C, p.Glu207Asp (NM_001199954.3); short protein forms E207D.
Identifiers: ClinVar variation 3758794 (VCV003758794.2).

ClinVar aggregate classification (germline): Uncertain significance (1 of 4 stars; one submission).

Conditions:
Baraitser-winter syndrome 2. Identifiers: Orphanet 2995, MedGen C3281235, MONDO:0013812, OMIM 614583.
Autosomal dominant nonsyndromic hearing loss 20. Identifiers: Orphanet 90635, MedGen C1858172, MONDO:0011480, OMIM 604717.

Submission:

Labcorp Genetics (formerly Invitae), Labcorp
Classification: Uncertain significance for Baraitser-winter syndrome 2; Autosomal dominant nonsyndromic hearing loss 20. Last evaluated: 2024-10-02. Review status: criteria provided, single submitter. Criteria: Invitae Variant Classification Sherloc (09022015). Collection method: clinical testing. Allele origin: germline.
Comment: This sequence change replaces glutamic acid, which is acidic and polar, with aspartic acid, which is acidic and polar, at codon 207 of the ACTG1 protein (p.Glu207Asp). This variant is not present in population databases (gnomAD no frequency). This variant has not been reported in the literature in individuals affected with ACTG1-related conditions. Invitae Evidence Modeling of protein sequence and biophysical properties (such as structural, functional, and spatial information, amino acid conservation, physicochemical variation, residue mobility, and thermodynamic stability) indicates that this missense variant is not expected to disrupt ACTG1 protein function with a negative predictive value of 80%. In summary, the available evidence is currently insufficient to determine the role of this variant in disease. Therefore, it has been classified as a Variant of Uncertain Significance.